The following is an entry in ClinVar:

ClinVar aggregate classification (germline): Uncertain significance (1 of 4 stars; one submission).

Submission:

Labcorp Genetics (formerly Invitae), Labcorp
Classification: Uncertain significance. Last evaluated: 2023-06-03. Review status: criteria provided, single submitter. Criteria: Invitae Variant Classification Sherloc (09022015). Collection method: clinical testing. Allele origin: germline.
Comment: In summary, the available evidence is currently insufficient to determine the role of this variant in disease. Therefore, it has been classified as a Variant of Uncertain Significance. Advanced modeling of protein sequence and biophysical properties (such as structural, functional, and spatial information, amino acid conservation, physicochemical variation, residue mobility, and thermodynamic stability) performed at Invitae indicates that this missense variant is expected to disrupt CFP protein function. This variant has not been reported in the literature in individuals affected with CFP-related conditions. This variant is not present in population databases (gnomAD no frequency). This sequence change replaces tryptophan, which is neutral and slightly polar, with arginine, which is basic and polar, at codon 86 of the CFP protein (p.Trp86Arg).

NM_001145252.3(CFP):c.256T>C (p.Trp86Arg)

Gene: CFP (complement factor properdin; minus strand). Cytogenetic location: Xp11.23.
Variant type: single nucleotide variant.
Coding change: c.256T>C on transcript NM_001145252.3 (MANE Select); coding-DNA position 256, T replaced by C.
Protein change: p.Trp86Arg; replaces tryptophan 86 with arginine.
Molecular consequence: missense variant.
Genome position (GRCh38, 1-based): chrX:47,628,249, A>G on the plus strand (T>C on the coding strand, the complement: CFP is on the minus strand). VCF-style: chrX-47628249-A-G. GRCh37 (hg19) VCF-style: chrX-47487648-A-G.
Other names: c.256T>C, p.Trp86Arg (NM_002621.2); short protein forms W86R.
Identifiers: ClinVar variation 2790830 (VCV002790830.3), dbSNP rs2519717917, ClinGen allele CA412839217.
Genomic context (GRCh38, chrX:47,628,249, plus strand): 5'-CCACACAGCGCCGGTACCGCAGCTGGGAGCCCTCAGAGCACGTCACCGAACAGGGGGCCC[A>G]TGTGGACCACAGGGACCATCGTGGGGACCTGTGGAGAAGAGCACACACATCCCATCCTGG-3'
Protein context (NP_001138724.1, residues 76-96): RSPRWSLWST[Trp86Arg]APCSVTCSEG